The following is an entry in ClinVar:

NM_020166.5(MCCC1):c.1657A>G (p.Met553Val)

Gene: MCCC1 (methylcrotonyl-CoA carboxylase subunit 1; minus strand). Cytogenetic location: 3q27.1.
Variant type: single nucleotide variant.
Coding change: c.1657A>G on transcript NM_020166.5 (MANE Select); coding-DNA position 1657, A replaced by G.
Protein change: p.Met553Val; replaces methionine 553 with valine.
Molecular consequence: missense variant. On other transcripts: non-coding transcript variant (2).
Genome position (GRCh38, 1-based): chr3:183,034,015, T>C on the plus strand (A>G on the coding strand, the complement: MCCC1 is on the minus strand). VCF-style: chr3-183034015-T-C. GRCh37 (hg19) VCF-style: chr3-182751803-T-C.
Other names: c.1306A>G, p.Met436Val (NM_001293273.2); c.1330A>G, p.Met444Val (NM_001363880.1); short protein forms M436V, M444V, M553V.
Identifiers: ClinVar variation 2422837 (VCV002422837.3), dbSNP rs1233593514, ClinGen allele CA355318308.

ClinVar aggregate classification (germline): Uncertain significance (1 of 4 stars; one submission).

Conditions:
3-methylcrotonyl-CoA carboxylase 1 deficiency (MCC1D). Also called: MCCD TYPE 1; METHYLCROTONYLGLYCINURIA TYPE I; MCC 1 deficiency; 3 Alpha methylcrotonylglycinuria 1. Identifiers: Orphanet 6, MedGen CN028786, MONDO:0008861, OMIM 210200.

Allele frequency attached by ClinVar (database versions not stated): gnomAD exomes 0.00001.
gnomAD v4.1: 8 of 1,610,350 alleles (0.0005%); highest among the groups gnomAD compares: Admixed American, 0.0067%; no homozygotes.

Submission:

Labcorp Genetics (formerly Invitae), Labcorp
Classification: Uncertain significance for 3-methylcrotonyl-CoA carboxylase 1 deficiency. Last evaluated: 2022-05-05. Review status: criteria provided, single submitter. Criteria: Invitae Variant Classification Sherloc (09022015). Collection method: clinical testing. Allele origin: germline.
Comment: This sequence change replaces methionine, which is neutral and non-polar, with valine, which is neutral and non-polar, at codon 553 of the MCCC1 protein (p.Met553Val). This variant is present in population databases (no rsID available, gnomAD 0.009%). This variant has not been reported in the literature in individuals affected with MCCC1-related conditions. Algorithms developed to predict the effect of missense changes on protein structure and function output the following: SIFT: "Tolerated"; PolyPhen-2: "Benign"; Align-GVGD: "Class C0". The valine amino acid residue is found in multiple mammalian species, which suggests that this missense change does not adversely affect protein function. In summary, the available evidence is currently insufficient to determine the role of this variant in disease. Therefore, it has been classified as a Variant of Uncertain Significance.